The following is an entry in ClinVar:

ClinVar aggregate classification (germline): Likely benign (0 of 4 stars; one submission).

Conditions:
KLLN-related disorder. Also called: KLLN-related condition.

Allele frequency attached by ClinVar (database versions not stated): gnomAD exomes 0.00004; ExAC 0.00010; gnomAD 0.00054; 1000 Genomes Project 30x 0.00125.

Submission:

PreventionGenetics, part of Exact Sciences
Classification: Likely benign for KLLN-related condition. Last evaluated: 2022-04-06. Review status: no assertion criteria provided. Collection method: clinical testing. Allele origin: germline.
Comment: This variant is classified as likely benign based on ACMG/AMP sequence variant interpretation guidelines (Richards et al. 2015 PMID: 25741868, with internal and published modifications).

NM_001126049.2(KLLN):c.294_295insGGT (p.Trp98_Cys99insGly)

Genes: KLLN (killin, p53 regulated DNA replication inhibitor; minus strand), LOC130004270 (ATAC-STARR-seq lymphoblastoid active region 3714; plus strand). Cytogenetic location: 10q23.31.
Variant type: Insertion.
Coding change: c.294_295insGGT on transcript NM_001126049.2 (MANE Select); coding-DNA positions 294 to 295, GGT inserted.
Protein change: p.Trp98_Cys99insGly.
Genome position: GRCh38 VCF-style: chr10-87862193-A-AACC. GRCh37 (hg19) VCF-style: chr10-89621950-A-AACC.
Identifiers: ClinVar variation 3046404 (VCV003046404.2), dbSNP rs781685752, ClinGen allele CA5590214.